The following is an entry in ClinVar:

ClinVar aggregate classification (germline): Uncertain significance (1 of 4 stars; one submission).

Conditions:
Hereditary cancer-predisposing syndrome. Also called: Neoplastic Syndromes, Hereditary; Tumor predisposition; Hereditary neoplastic syndrome; Hereditary Cancer Syndrome. Identifiers: Orphanet 140162, MedGen C0027672, MeSH D009386, MONDO:0015356.

Submission:

Ambry Genetics
Classification: Uncertain significance for Hereditary cancer-predisposing syndrome. Last evaluated: 2026-07-06. Review status: criteria provided, single submitter. Criteria: Ambry Variant Classification Scheme 2023. Collection method: clinical testing. Allele origin: germline.
Comment: The p.A31V variant (also known as c.92C>T), located in coding exon 1 of the PHOX2B gene, results from a C to T substitution at nucleotide position 92. The alanine at codon 31 is replaced by valine, an amino acid with similar properties. This amino acid position is conserved. In addition, the in silico prediction for this alteration is inconclusive. Based on the available evidence, the clinical significance of this variant remains unclear.

NM_003924.4(PHOX2B):c.92C>T (p.Ala31Val)

Genes: PHOX2B (paired like homeobox 2B; minus strand), PHOX2B-AS1 (PHOX2B antisense RNA 1; plus strand). Cytogenetic location: 4p13.
Variant type: single nucleotide variant.
Coding change: c.92C>T on transcript NM_003924.4 (MANE Select); coding-DNA position 92, C replaced by T.
Protein change: p.Ala31Val; replaces alanine 31 with valine.
Molecular consequence: missense variant. On other transcripts: non-coding transcript variant (1).
Genome position (GRCh38, 1-based): chr4:41,748,519, G>A on the plus strand (C>T on the coding strand, the complement: PHOX2B is on the minus strand). VCF-style: chr4-41748519-G-A. GRCh37 (hg19) VCF-style: chr4-41750536-G-A.
Other names: short protein forms A31V.
Identifiers: ClinVar variation 5026533 (VCV005026533.1).
Genomic context (GRCh38, chr4:41,748,519, plus strand): 5'-AAAGTGGTCCTTATCGGGTTATACTGGAAGCCACTGGCCTGGCTGCAGGAACTGAAGTCA[G>A]CATAGGCTGAAGCCAGGCTCGAGGTGTCCATCCCAGCCATACAGGACTCGTAGGCAGAGG-3'
Protein context (NP_003915.2, residues 21-41): MDTSSLASAY[Ala31Val]DFSSCSQASG